The following is an entry in ClinVar:

ClinVar aggregate classification (germline): Conflicting classifications of pathogenicity. Review status: criteria provided, conflicting classifications (1 of 4 stars). 2 submissions from 2 submitters: Likely pathogenic (1); Uncertain significance (1). Last evaluated 2025-02-25.

Conditions:
Dilated cardiomyopathy 1G (CMD1G). Identifiers: Orphanet 154, MedGen C1858763, MONDO:0011400, OMIM 604145.
Autosomal recessive limb-girdle muscular dystrophy type 2J (LGMDR10). Also called: Limb-girdle muscular dystrophy, type 2J; MUSCULAR DYSTROPHY, LIMB-GIRDLE, AUTOSOMAL RECESSIVE 10. Identifiers: Orphanet 140922, MedGen C1837342, MONDO:0012127, OMIM 608807.

Allele frequency attached by ClinVar (database versions not stated): TOPMed below 0.00001.

Submissions (2):

Labcorp Genetics (formerly Invitae), Labcorp
Classification: Likely pathogenic for Dilated cardiomyopathy 1G; Autosomal recessive limb-girdle muscular dystrophy type 2J. Last evaluated: 2025-02-25. Review status: criteria provided, single submitter. Criteria: Invitae Variant Classification Sherloc (09022015). Collection method: clinical testing. Allele origin: germline.
Comment: This sequence change creates a premature translational stop signal (p.Trp9731*) in the TTN gene. While this is not anticipated to result in nonsense mediated decay, it is expected to create a truncated TTN protein. This variant is not present in population databases (gnomAD no frequency). This variant has not been reported in the literature in individuals affected with TTN-related conditions. ClinVar contains an entry for this variant (Variation ID: 1937384). This variant is located in the I band of TTN (PMID: 25589632). Truncating variants in this region have been reported in individuals affected with autosomal recessive centronuclear myopathy (PMID: 23975875, internal data). Truncating variants in this region have also been identified in individuals affected with autosomal dominant dilated cardiomyopathy and/or cardio-related conditions (PMID: 27869827, 32964742, internal data). In summary, the currently available evidence indicates that the variant is pathogenic, but additional data are needed to prove that conclusively. Therefore, this variant has been classified as Likely Pathogenic.

Revvity Omics, Revvity
Classification: Uncertain significance. Last evaluated: 2019-06-12. Review status: criteria provided, single submitter. Criteria: ACMG Guidelines, 2015. Collection method: clinical testing. Allele origin: germline.

Literature cited by the submitters: PubMed 25589632 (cited by Labcorp Genetics (formerly Invitae), Labcorp); PubMed 23975875 (cited by Labcorp Genetics (formerly Invitae), Labcorp); PubMed 27869827 (cited by Labcorp Genetics (formerly Invitae), Labcorp); PubMed 32964742 (cited by Labcorp Genetics (formerly Invitae), Labcorp).

NM_001267550.2(TTN):c.29193G>A (p.Trp9731Ter)

Gene: TTN (titin; minus strand). Cytogenetic location: 2q31.2.
Variant type: single nucleotide variant.
Coding change: c.29193G>A on transcript NM_001267550.2 (MANE Select); coding-DNA position 29193, G replaced by A.
Protein change: p.Trp9731Ter; replaces tryptophan 9731 with a stop codon.
Molecular consequence: nonsense. On other transcripts: intron variant (3).
Genome position (GRCh38, 1-based): chr2:178,706,681, C>T on the plus strand (G>A on the coding strand, the complement: TTN is on the minus strand). VCF-style: chr2-178706681-C-T. GRCh37 (hg19) VCF-style: chr2-179571408-C-T.
Other names: c.28242G>A, p.Trp9414Ter (NM_001256850.1); c.25461G>A, p.Trp8487Ter (NM_133378.4); c.13282+31401G>A (NM_003319.4); c.13858+31401G>A (NM_133437.4); c.13657+31401G>A (NM_133432.3); short protein forms W9731*, W8487*, W9414*.
Identifiers: ClinVar variation 1937384 (VCV001937384.8), dbSNP rs2075920978, ClinGen allele CA349584108.
Genomic context (GRCh38, chr2:178,706,681, plus strand): 5'-GCCTTTTTGGTGGATGAAAACACGACCTCCTTGGTTCAGCTGTCTCCACTTCCCTTTTGT[C>T]CATTTAACATTTGGGATTGGGTCACCTCCAACTTTTGCAATGAAGGTCGCAGTGGTTTCT-3'